The following is an entry in ClinVar:

ClinVar aggregate classification (germline): Likely benign (1 of 4 stars; one submission).

Conditions:
PLXNA4-related disorder. Also called: PLXNA4-related condition.

Submission:

PreventionGenetics, part of Exact Sciences
Classification: Likely benign for PLXNA4-related condition. Last evaluated: 2024-11-06. Review status: criteria provided, single submitter. Criteria: ACMG Guidelines, 2015. Collection method: clinical testing. Allele origin: germline.
Comment: This variant is classified as likely benign based on ACMG/AMP sequence variant interpretation guidelines (Richards et al. 2015 PMID: 25741868, with internal and published modifications).

NM_020911.2(PLXNA4):c.1053T>C (p.Asp351=)

Gene: PLXNA4 (plexin A4; minus strand). Cytogenetic location: 7q32.3.
Variant type: single nucleotide variant.
Coding change: c.1053T>C on transcript NM_020911.2 (MANE Select); coding-DNA position 1053, T replaced by C.
Protein change: p.Asp351=; no amino-acid change (aspartic acid 351 retained).
Molecular consequence: synonymous variant.
Genome position (GRCh38, 1-based): chr7:132,507,641, A>G on the plus strand (T>C on the coding strand, the complement: PLXNA4 is on the minus strand). VCF-style: chr7-132507641-A-G. GRCh37 (hg19) VCF-style: chr7-132192400-A-G.
Other names: c.1053T>C, p.Asp351= (NM_001105543.2, NM_001393897.1, NM_181775.4).
Identifiers: ClinVar variation 4983405 (VCV004983405.1).
Genomic context (GRCh38, chr7:132,507,641, plus strand): 5'-CAGCCGCTCCTTAATGCGGTCATTTATCTGCTTCAAGATGAAGATGCACAGGGCCGACTC[A>G]TCCAGGGATTTCATTTTCCGCTTCTGGCCCTTGGAGAAGACGGTGAAGAGCAGGTCATCA-3'
Protein context (NP_065962.1, residues 341-361): KGQKRKMKSL[Asp351=]ESALCIFILK